The following is an entry in ClinVar:

ClinVar aggregate classification (germline): Uncertain significance (1 of 4 stars; one submission).

Conditions:
Hypertrophic cardiomyopathy 14. Identifiers: MedGen C2750467, MONDO:0013197, OMIM 613251.

Submission:

Labcorp Genetics (formerly Invitae), Labcorp
Classification: Uncertain significance for Hypertrophic cardiomyopathy 14. Last evaluated: 2022-03-31. Review status: criteria provided, single submitter. Criteria: Invitae Variant Classification Sherloc (09022015). Collection method: clinical testing. Allele origin: germline.
Comment: In summary, the available evidence is currently insufficient to determine the role of this variant in disease. Therefore, it has been classified as a Variant of Uncertain Significance. This variant has not been reported in the literature in individuals affected with MYH6-related conditions. This variant is a gross deletion of the genomic region encompassing exon(s) 28-29 of the MYH6 gene. This deletion is out-of-frame, and is expected to create a premature translational stop signal and result in an absent or disrupted protein product. However, the current clinical and genetic evidence is not sufficient to establish whether loss-of-function variants in MYH6 cause disease.

NC_000014.8:g.(?_23857696)_(23858733_?)del

Genes: MYH6 (myosin heavy chain 6; minus strand), MIR208A (microRNA 208a; minus strand). Cytogenetic location: 14q11.2.
Variant type: Deletion.
Identifiers: ClinVar variation 2424459 (VCV002424459.4).